The following is an entry in ClinVar:

NM_003611.3(OFD1):c.223A>G (p.Asn75Asp)

Gene: OFD1 (OFD1 centriole and centriolar satellite protein; plus strand). Cytogenetic location: Xp22.2.
Variant type: single nucleotide variant.
Coding change: c.223A>G on transcript NM_003611.3 (MANE Select); coding-DNA position 223, A replaced by G.
Protein change: p.Asn75Asp; replaces asparagine 75 with aspartic acid.
Molecular consequence: missense variant. On other transcripts: 5 prime UTR variant (1).
Genome position (GRCh38, 1-based): chrX:13,736,589, A>G. VCF-style: chrX-13736589-A-G. GRCh37 (hg19) VCF-style: chrX-13754708-A-G.
Other names: c.223A>G, p.Asn75Asp (NM_001330209.2); c.-323A>G (NM_001330210.2); short protein forms N75D.
Identifiers: ClinVar variation 1412399 (VCV001412399.9), dbSNP rs760347311, ClinGen allele CA326106767.

ClinVar aggregate classification (germline): Uncertain significance. Review status: criteria provided, multiple submitters, no conflicts (2 of 4 stars). 2 submissions from 2 submitters: Uncertain significance (2). Last evaluated 2025-01-06.

Conditions:
Orofaciodigital syndrome I (OFD1). Also called: Oral-Facial-Digital Syndrome Type I; OFDS I; Papillon-Leage and Psaume Syndrome. Identifiers: Orphanet 2750, MedGen C1510460, MONDO:0010702, OMIM 311200.
Joubert syndrome. Also called: JOUBERT-BOLTSHAUSER SYNDROME; Familial aplasia of the vermis. Identifiers: Orphanet 475, MedGen C5979921, MONDO:0018772.

Allele frequency attached by ClinVar (database versions not stated): TOPMed below 0.00001; gnomAD 0.00001; gnomAD exomes 0.00001.
gnomAD v4.1: 8 of 1,207,849 alleles (0.00066%); highest among the groups gnomAD compares: Non-Finnish European, 0.0009%; no homozygotes.

Submissions (2):

Labcorp Genetics (formerly Invitae), Labcorp
Classification: Uncertain significance for Orofaciodigital syndrome I; Joubert syndrome. Last evaluated: 2025-01-06. Review status: criteria provided, single submitter. Criteria: Invitae Variant Classification Sherloc (09022015). Collection method: clinical testing. Allele origin: germline.
Comment: This sequence change replaces asparagine, which is neutral and polar, with aspartic acid, which is acidic and polar, at codon 75 of the OFD1 protein (p.Asn75Asp). This variant is not present in population databases (gnomAD no frequency). This variant has not been reported in the literature in individuals affected with OFD1-related conditions. ClinVar contains an entry for this variant (Variation ID: 1412399). Invitae Evidence Modeling of protein sequence and biophysical properties (such as structural, functional, and spatial information, amino acid conservation, physicochemical variation, residue mobility, and thermodynamic stability) indicates that this missense variant is not expected to disrupt OFD1 protein function with a negative predictive value of 80%. This variant disrupts the p.Asn75 amino acid residue in OFD1. Other variant(s) that disrupt this residue have been observed in individuals with OFD1-related conditions (PMID: 18546297, 24884629), which suggests that this may be a clinically significant amino acid residue. In summary, the available evidence is currently insufficient to determine the role of this variant in disease. Therefore, it has been classified as a Variant of Uncertain Significance.

Blueprint Genetics
Classification: Uncertain significance. Last evaluated: 2021-11-12. Review status: criteria provided, single submitter. Criteria: ACMG Guidelines, 2015. Collection method: clinical testing. Allele origin: germline.

Literature cited by the submitters: PubMed 18546297 (cited by Labcorp Genetics (formerly Invitae), Labcorp); PubMed 24884629 (cited by Labcorp Genetics (formerly Invitae), Labcorp).